The following is an entry in ClinVar:

ClinVar aggregate classification (germline): Uncertain significance (1 of 4 stars; one submission).

Conditions:
Inborn genetic diseases. Identifiers: MedGen C0950123, MeSH D030342.

Submission:

Ambry Genetics
Classification: Uncertain significance for Inborn genetic diseases. Last evaluated: 2026-08-08. Review status: criteria provided, single submitter. Criteria: Ambry Variant Classification Scheme 2023. Collection method: clinical testing. Allele origin: germline.
Comment: The p.Q741H variant (also known as c.2223G>T), located in coding exon 12 of the BMPR2 gene, results from a G to T substitution at nucleotide position 2223. The glutamine at codon 741 is replaced by histidine, an amino acid with highly similar properties. This amino acid position is conserved. In addition, the in silico prediction for this alteration is inconclusive. Based on the available evidence, the clinical significance of this variant remains unclear.

NM_001204.7(BMPR2):c.2223G>T (p.Gln741His)

Gene: BMPR2 (bone morphogenetic protein receptor type 2; plus strand). Cytogenetic location: 2q33.2.
Variant type: single nucleotide variant.
Coding change: c.2223G>T on transcript NM_001204.7 (MANE Select); coding-DNA position 2223, G replaced by T.
Protein change: p.Gln741His; replaces glutamine 741 with histidine.
Molecular consequence: missense variant.
Genome position (GRCh38, 1-based): chr2:202,555,888, G>T. VCF-style: chr2-202555888-G-T. GRCh37 (hg19) VCF-style: chr2-203420611-G-T.
Other names: short protein forms Q741H.
Identifiers: ClinVar variation 5033110 (VCV005033110.1).